The following is an entry in ClinVar:

ClinVar aggregate classification (germline): Likely pathogenic (1 of 4 stars; one submission).

Conditions:
Achondrogenesis, type IB (ACG1B). Also called: Achondrogenesis Type 1B. Identifiers: Orphanet 932, Orphanet 93298, MedGen C0265274, MONDO:0010966, OMIM 600972.

gnomAD v4.1: 1 of 1,614,040 alleles (0.000062%); highest among the groups gnomAD compares: Non-Finnish European, 0.000085%; no homozygotes.

Submission:

Natera, Inc.
Classification: Likely pathogenic for Achondrogenesis type IB. Last evaluated: 2025-09-11. Review status: criteria provided, single submitter. Criteria: Natera Variant Classification Schema (03/2026). Collection method: clinical testing. Allele origin: germline.
Comment: The c.1838G>A variant in SLC26A2 is a nonsense variant predicted to introduce a stop codon at amino acid 613. This variant is expected to result in nonsense mediated decay, truncation, or a dysfunctional protein product. This variant is rare in the general population with a frequency below the threshold expected for the associated phenotype(s). Given the available evidence, this variant is classified as Likely Pathogenic.

NM_000112.4(SLC26A2):c.1838G>A (p.Trp613Ter)

Gene: SLC26A2 (solute carrier family 26 member 2; plus strand). Cytogenetic location: 5q32.
Variant type: single nucleotide variant.
Coding change: c.1838G>A on transcript NM_000112.4 (MANE Select); coding-DNA position 1838, G replaced by A.
Protein change: p.Trp613Ter; replaces tryptophan 613 with a stop codon.
Molecular consequence: nonsense.
Genome position (GRCh38, 1-based): chr5:149,981,431, G>A. VCF-style: chr5-149981431-G-A. GRCh37 (hg19) VCF-style: chr5-149360994-G-A.
Other names: short protein forms W613*.
Identifiers: ClinVar variation 4817461 (VCV004817461.1).